The following is an entry in ClinVar:

ClinVar aggregate classification (germline): Conflicting classifications of pathogenicity. Review status: criteria provided, conflicting classifications (1 of 4 stars). 3 submissions from 3 submitters: Uncertain significance (1); Likely benign (2). Last evaluated 2025-11-13.

Conditions:
Inborn genetic diseases. Identifiers: MedGen C0950123, MeSH D030342.
Spastic paraplegia. Identifiers: MedGen C0037772, HP:0001258.

Allele frequency attached by ClinVar (database versions not stated): gnomAD exomes below 0.00001; TOPMed 0.00002; ExAC 0.00003.

Submissions (3):

Labcorp Genetics (formerly Invitae), Labcorp
Classification: Likely benign for Spastic paraplegia. Last evaluated: 2025-11-13. Review status: criteria provided, single submitter. Criteria: Invitae Variant Classification Sherloc (09022015). Collection method: clinical testing. Allele origin: germline.

Ambry Genetics
Classification: Likely benign for Inborn genetic diseases. Last evaluated: 2025-10-24. Review status: criteria provided, single submitter. Criteria: Ambry Variant Classification Scheme 2023. Collection method: clinical testing. Allele origin: germline.

Mayo Clinic Laboratories, Mayo Clinic
Classification: Uncertain significance. Last evaluated: 2022-04-19. Review status: criteria provided, single submitter. Criteria: ACMG Guidelines, 2015. Collection method: clinical testing. Allele origin: germline. Observed: 1 variant allele.
Comment: BP4

NM_001278116.2(L1CAM):c.2279G>A (p.Arg760Gln)

Gene: L1CAM (L1 cell adhesion molecule; minus strand). Cytogenetic location: Xq28.
Variant type: single nucleotide variant.
Coding change: c.2279G>A on transcript NM_001278116.2 (MANE Select); coding-DNA position 2279, G replaced by A.
Protein change: p.Arg760Gln; replaces arginine 760 with glutamine.
Molecular consequence: missense variant.
Genome position (GRCh38, 1-based): chrX:153,866,801, C>T on the plus strand (G>A on the coding strand, the complement: L1CAM is on the minus strand). VCF-style: chrX-153866801-C-T. GRCh37 (hg19) VCF-style: chrX-153132256-C-T.
Other names: p.Arg760Gln; c.2279G>A, p.Arg760Gln (NM_000425.5, NM_024003.3); c.2264G>A, p.Arg755Gln (NM_001143963.2); c.2279G>A (NM_000425.3); short protein forms R755Q, R760Q.
Identifiers: ClinVar variation 2683596 (VCV002683596.4), dbSNP rs782352802, ClinGen allele CA10554194.